The following is an entry in ClinVar:

NM_001083961.2(WDR62):c.3451G>C (p.Asp1151His)

Gene: WDR62 (WD repeat domain 62; plus strand). Cytogenetic location: 19q13.12.
Variant type: single nucleotide variant.
Coding change: c.3451G>C on transcript NM_001083961.2 (MANE Select); coding-DNA position 3451, G replaced by C.
Protein change: p.Asp1151His; replaces aspartic acid 1151 with histidine.
Molecular consequence: missense variant.
Genome position (GRCh38, 1-based): chr19:36,103,063, G>C. VCF-style: chr19-36103063-G-C. GRCh37 (hg19) VCF-style: chr19-36593965-G-C.
Other names: c.3436G>C, p.Asp1146His (NM_001411145.1, NM_173636.5); c.3202G>C, p.Asp1068His (NM_001411146.1); c.3100G>C, p.Asp1034His (NM_001411147.1); short protein forms D1034H, D1068H, D1146H, D1151H.
Identifiers: ClinVar variation 2337053 (VCV002337053.29), dbSNP rs376931622, ClinGen allele CA9396280.

ClinVar aggregate classification (germline): Uncertain significance. Review status: criteria provided, multiple submitters, no conflicts (2 of 4 stars). 3 submissions from 3 submitters: Uncertain significance (3). Last evaluated 2025-03-31.

Conditions:
Inborn genetic diseases. Identifiers: MedGen C0950123, MeSH D030342.

Allele frequency attached by ClinVar (database versions not stated): TOPMed 0.00003; gnomAD 0.00004; ExAC 0.00005; ESP Exome Variant Server 0.00008; gnomAD exomes 0.00009.
gnomAD v4.1: 138 of 1,613,950 alleles (0.0086%); highest among the groups gnomAD compares: Non-Finnish European, 0.011%; no homozygotes.

Submissions (3):

Labcorp Genetics (formerly Invitae), Labcorp
Classification: Uncertain significance. Last evaluated: 2025-03-31. Review status: criteria provided, single submitter. Criteria: Invitae Variant Classification Sherloc (09022015). Collection method: clinical testing. Allele origin: germline.
Comment: This sequence change replaces aspartic acid, which is acidic and polar, with histidine, which is basic and polar, at codon 1151 of the WDR62 protein (p.Asp1151His). This variant is present in population databases (rs376931622, gnomAD 0.009%). This variant has not been reported in the literature in individuals affected with WDR62-related conditions. ClinVar contains an entry for this variant (Variation ID: 2337053). An algorithm developed to predict the effect of missense changes on protein structure and function (PolyPhen-2) suggests that this variant is likely to be tolerated. In summary, the available evidence is currently insufficient to determine the role of this variant in disease. Therefore, it has been classified as a Variant of Uncertain Significance.

CeGaT Center for Human Genetics Tuebingen
Classification: Uncertain significance. Last evaluated: 2023-10-01. Review status: criteria provided, single submitter. Criteria: CeGaT Center For Human Genetics Tuebingen Variant Classification Criteria Version 2. Collection method: clinical testing. Allele origin: germline. Affected: yes. Observed: 1 variant allele.
Comment: WDR62: PM2, BP4

Ambry Genetics
Classification: Uncertain significance for Inborn genetic diseases. Last evaluated: 2022-12-19. Review status: criteria provided, single submitter. Criteria: Ambry Variant Classification Scheme 2023. Collection method: clinical testing. Allele origin: germline.